The following is an entry in ClinVar:

ClinVar aggregate classification (germline): Uncertain significance (1 of 4 stars; one submission).

gnomAD v4.1: 7 of 1,613,918 alleles (0.00043%); highest among the groups gnomAD compares: Non-Finnish European, 0.00059%; no homozygotes.

Submission:

Mayo Clinic Laboratories, Mayo Clinic
Classification: Uncertain significance. Last evaluated: 2025-03-18. Review status: criteria provided, single submitter. Criteria: ACMG Guidelines, 2015. Collection method: clinical testing. Allele origin: germline. Observed: 1 variant allele.
Comment: BP4

NM_025152.3(NUBPL):c.443T>C (p.Val148Ala)

Gene: NUBPL (NUBP iron-sulfur cluster assembly factor, mitochondrial; plus strand). Cytogenetic location: 14q12.
Variant type: single nucleotide variant.
Coding change: c.443T>C on transcript NM_025152.3 (MANE Select); coding-DNA position 443, T replaced by C.
Protein change: p.Val148Ala; replaces valine 148 with alanine.
Molecular consequence: missense variant. On other transcripts: non-coding transcript variant (1).
Genome position (GRCh38, 1-based): chr14:31,673,504, T>C. VCF-style: chr14-31673504-T-C. GRCh37 (hg19) VCF-style: chr14-32142710-T-C.
Other names: p.Val148Ala; c.155T>C, p.Val52Ala (NM_001201573.2); short protein forms V148A, V52A.
Identifiers: ClinVar variation 4541822 (VCV004541822.1).